The following is an entry in ClinVar:

ClinVar aggregate classification (germline): Pathogenic (1 of 4 stars; one submission).

Conditions:
Familial cancer of breast. Also called: Hereditary breast cancer; hereditary breast carcinoma; BREAST CANCER, FAMILIAL. Identifiers: Orphanet 227535, MedGen C0346153, MONDO:0016419, OMIM 114480. Disease mechanism: loss of function.

Submission:

Human Genome Sequencing Center Clinical Lab, Baylor College of Medicine
Classification: Pathogenic for Familial cancer of breast. Last evaluated: 2017-06-02. Review status: criteria provided, single submitter. Criteria: ACMG Guidelines, 2015. Collection method: clinical testing. Allele origin: germline.
Comment: The c.1263del (p.Ser422Valfs*15) variant in the CHEK2 gene has been detected in a case control study for breast cancer [PMID 21244692]. This variant was detected in 1/1,303 cases and none of the 1,109 unaffected female controls. This variant was also detected in an individual with prostate cancer and two family members [PMID 24556621]. However, the segregation was not clear: one sibling was affected with prostate cancer but was negative for the variant. This variant has been reported in six individuals from the ExAC database. This one bp deletion in exon 12 results in a frameshift and the creation of a premature stop codon. This variant is expected to result in a loss of function of the protein and thus is classified as pathogenic.

NM_007194.4(CHEK2):c.1134del (p.Ser379fs)

Gene: CHEK2 (checkpoint kinase 2; minus strand). Cytogenetic location: 22q12.1.
Variant type: Deletion.
Coding change: c.1134del on transcript NM_007194.4 (MANE Select); coding-DNA position 1134, one base deleted (C; older notation c.1134delC).
Protein change: p.Ser379fs; shifts the reading frame from serine 379.
Molecular consequence: frameshift variant.
Genome position (GRCh38, 1-based): chr22:28,695,835, G deleted on the plus strand (C on the coding strand, the reverse complement: CHEK2 is on the minus strand); the first of 2 consecutive G bases (chr22:28,695,835-28,695,836); deleting either gives the same sequence. VCF-style (leftmost placement, unchanged base first): chr22-28695834-AG-A. GRCh37 (hg19) VCF-style: chr22-29091822-AG-A.
Other names: c.1262delC, p.Ser422Leufs (NM_001005735.3); c.470delC, p.Ser158Leufs (NM_001257387.3); c.932delC, p.Ser312Leufs (NM_001349956.3); c.1046delC, p.Ser350Leufs (NM_145862.3); short protein forms S158fs, S312fs, S422fs, S350fs, S379fs.
Identifiers: ClinVar variation 585215 (VCV000585215.2), dbSNP rs1569114113, ClinGen allele CA891844289.